The following is an entry in ClinVar:

ClinVar aggregate classification (germline): Likely benign (0 of 4 stars; one submission).

Conditions:
MAPKBP1-related disorder. Also called: MAPKBP1-related condition.

Allele frequency attached by ClinVar (database versions not stated): TOPMed below 0.00001; gnomAD 0.00001; ExAC 0.00003.
gnomAD v4.1: 29 of 1,613,624 alleles (0.0018%); highest among the groups gnomAD compares: South Asian, 0.022%; no homozygotes.

Submission:

PreventionGenetics, part of Exact Sciences
Classification: Likely benign for MAPKBP1-related condition. Last evaluated: 2022-12-30. Review status: no assertion criteria provided. Collection method: clinical testing. Allele origin: germline.
Comment: This variant is classified as likely benign based on ACMG/AMP sequence variant interpretation guidelines (Richards et al. 2015 PMID: 25741868, with internal and published modifications).

NM_014994.3(MAPKBP1):c.1782+9G>A

Gene: MAPKBP1 (mitogen-activated protein kinase binding protein 1; plus strand). Cytogenetic location: 15q15.1.
Variant type: single nucleotide variant.
Coding change: c.1782+9G>A on transcript NM_014994.3 (MANE Select); 9 bases into the intron after coding-DNA position 1782, G replaced by A.
Molecular consequence: intron variant.
Genome position (GRCh38, 1-based): chr15:41,817,467, G>A. VCF-style: chr15-41817467-G-A. GRCh37 (hg19) VCF-style: chr15-42109665-G-A.
Other names: c.1800+9G>A (NM_001128608.2); c.1782+9G>A (NM_001265611.2).
Identifiers: ClinVar variation 3039810 (VCV003039810.2), dbSNP rs759107533, ClinGen allele CA7497931.
Genomic context (GRCh38, chr15:41,817,467, plus strand): 5'-CATGATCAGCTGTGGAGCAGACAAGAGCATCTACTTCCGCACTGCGCAGAAGGTGAGGGC[G>A]CTGGGCTTTCCTGAGAGGGGCGGGACAGGGCGGGGTCTGCCATTCCCTGCCTAAGGTTAC-3'